The following is an entry in ClinVar:

ClinVar aggregate classification (germline): Likely pathogenic (1 of 4 stars; one submission).

Allele frequency attached by ClinVar (database versions not stated): gnomAD exomes below 0.00001; ExAC 0.00002.
gnomAD v4.1: 3 of 1,611,802 alleles (0.00019%); highest among the groups gnomAD compares: South Asian, 0.0033%; no homozygotes.

Submission:

Labcorp Genetics (formerly Invitae), Labcorp
Classification: Likely pathogenic. Last evaluated: 2022-12-20. Review status: criteria provided, single submitter. Criteria: Invitae Variant Classification Sherloc (09022015). Collection method: clinical testing. Allele origin: germline.
Comment: In summary, the currently available evidence indicates that the variant is pathogenic, but additional data are needed to prove that conclusively. Therefore, this variant has been classified as Likely Pathogenic. Algorithms developed to predict the effect of sequence changes on RNA splicing suggest that this variant may disrupt the consensus splice site. This variant has not been reported in the literature in individuals affected with MCPH1-related conditions. The frequency data for this variant in the population databases is considered unreliable, as metrics indicate poor data quality at this position in the gnomAD database. This sequence change affects an acceptor splice site in intron 5 of the MCPH1 gene. It is expected to disrupt RNA splicing. Variants that disrupt the donor or acceptor splice site typically lead to a loss of protein function (PMID: 16199547), and loss-of-function variants in MCPH1 are known to be pathogenic (PMID: 20978018).

Literature cited by the submitters: PubMed 16199547; PubMed 20978018.

NM_024596.5(MCPH1):c.437-2A>G

Gene: MCPH1 (microcephalin 1; plus strand). Cytogenetic location: 8p23.1.
Variant type: single nucleotide variant.
Coding change: c.437-2A>G on transcript NM_024596.5 (MANE Select); the canonical splice acceptor site of the intron before coding-DNA position 437, A replaced by G.
Molecular consequence: splice acceptor variant. On other transcripts: intron variant (1).
Genome position (GRCh38, 1-based): chr8:6,438,951, A>G. VCF-style: chr8-6438951-A-G. GRCh37 (hg19) VCF-style: chr8-6296472-A-G.
Other names: c.437-2A>G (NM_001322042.2, NM_001363980.2, NM_001363979.1 and 3 more transcripts); c.436+2789A>G (NM_001172575.2); c.431-2A>G (NM_001322043.2); c.335-2A>G (NM_001322045.2).
Identifiers: ClinVar variation 2815656 (VCV002815656.3), dbSNP rs752775102, ClinGen allele CA4610248.